The following is an entry in ClinVar:

ClinVar aggregate classification (germline): Benign (1 of 4 stars; one submission).

Conditions:
Melanoma-pancreatic cancer syndrome. Identifiers: Orphanet 404560, MedGen C1838547, MONDO:0011713, OMIM 606719. Disease mechanism: loss of function.

Submission:

Myriad Genetics, Inc.
Classification: Benign for Melanoma-pancreatic cancer syndrome. Last evaluated: 2025-08-12. Review status: criteria provided, single submitter. Criteria: Myriad Autosomal Dominant, Autosomal Recessive and X-Linked Classification Criteria (2023). Collection method: clinical testing. Allele origin: unknown.
Comment: This variant is considered benign. This variant is a silent/synonymous amino acid change and it is not expected to impact splicing.

NM_058195.4(CDKN2A):c.139C>T (p.Leu47=)

Gene: CDKN2A (cyclin dependent kinase inhibitor 2A; minus strand). Cytogenetic location: 9p21.3.
Variant type: single nucleotide variant.
Coding change: c.139C>T on transcript NM_058195.4 (MANE Plus Clinical); coding-DNA position 139, C replaced by T.
Protein change: p.Leu47=; no amino-acid change (leucine 47 retained).
Molecular consequence: synonymous variant. On other transcripts: intron variant (1).
Genome position (GRCh38, 1-based): chr9:21,994,193, G>A on the plus strand (C>T on the coding strand, the complement: CDKN2A is on the minus strand). VCF-style: chr9-21994193-G-A. GRCh37 (hg19) VCF-style: chr9-21994192-G-A.
Other names: c.-4+628C>T (NM_001363763.2).
Identifiers: ClinVar variation 4294121 (VCV004294121.1).